The following is an entry in ClinVar:

ClinVar aggregate classification (germline): Uncertain significance. Review status: criteria provided, multiple submitters, no conflicts (2 of 4 stars). 2 submissions from 2 submitters: Uncertain significance (2). Last evaluated 2025-11-05.

Allele frequency attached by ClinVar (database versions not stated): ExAC 0.00005; TOPMed 0.00006; ESP Exome Variant Server 0.00008; gnomAD 0.00008.

Submissions (2):

Labcorp Genetics (formerly Invitae), Labcorp
Classification: Uncertain significance. Last evaluated: 2025-11-05. Review status: criteria provided, single submitter. Criteria: Invitae Variant Classification Sherloc (09022015). Collection method: clinical testing. Allele origin: germline.
Comment: This sequence change replaces alanine, which is neutral and non-polar, with glycine, which is neutral and non-polar, at codon 624 of the CEP97 protein (p.Ala624Gly). This variant is present in population databases (rs369631469, gnomAD 0.01%). This variant has not been reported in the literature in individuals affected with CEP97-related conditions. ClinVar contains an entry for this variant (Variation ID: 2185107). Invitae Evidence Modeling of protein sequence and biophysical properties (such as structural, functional, and spatial information, amino acid conservation, physicochemical variation, residue mobility, and thermodynamic stability) indicates that this missense variant is expected to disrupt CEP97 protein function with a positive predictive value of 80%. In summary, the available evidence is currently insufficient to determine the role of this variant in disease. Therefore, it has been classified as a Variant of Uncertain Significance.

Ambry Genetics
Classification: Uncertain significance. Last evaluated: 2023-11-17. Review status: criteria provided, single submitter. Criteria: Ambry Variant Classification Scheme 2023. Collection method: clinical testing. Allele origin: germline.

NM_024548.4(CEP97):c.1871C>G (p.Ala624Gly)

Gene: CEP97 (centrosomal protein 97; plus strand). Cytogenetic location: 3q12.3.
Variant type: single nucleotide variant.
Coding change: c.1871C>G on transcript NM_024548.4 (MANE Select); coding-DNA position 1871, C replaced by G.
Protein change: p.Ala624Gly; replaces alanine 624 with glycine.
Molecular consequence: missense variant.
Genome position (GRCh38, 1-based): chr3:101,762,538, C>G. VCF-style: chr3-101762538-C-G. GRCh37 (hg19) VCF-style: chr3-101481382-C-G.
Other names: c.1694C>G, p.Ala565Gly (NM_001303401.2); c.1769C>G, p.Ala590Gly (NM_001410784.1); c.1592C>G, p.Ala531Gly (NM_001410785.1); c.1871C>G (NM_024548.2); short protein forms A624G, A590G, A531G, A565G.
Identifiers: ClinVar variation 2185107 (VCV002185107.5), dbSNP rs369631469, ClinGen allele CA2522221.